The following is an entry in ClinVar:

ClinVar aggregate classification (germline): Conflicting classifications of pathogenicity. Review status: criteria provided, conflicting classifications (1 of 4 stars). 2 submissions from 2 submitters: Uncertain significance (1); Likely benign (1). Last evaluated 2025-04-01.

Conditions:
Microphthalmia, syndromic 12 (MCOPS12). Also called: MICROPHTHALMIA WITH OR WITHOUT PULMONARY HYPOPLASIA, DIAPHRAGMATIC HERNIA, AND/OR CARDIAC DEFECTS. Identifiers: Orphanet 2470, Orphanet 689829, MedGen C3809803, MONDO:0014229, OMIM 615524.

Allele frequency attached by ClinVar (database versions not stated): gnomAD exomes 0.00005 and 0.00007; TOPMed 0.00005; gnomAD 0.00006 and 0.00007; ExAC 0.00007.
gnomAD v4.1: 83 of 1,613,742 alleles (0.0051%); highest among the groups gnomAD compares: Middle Eastern, 0.033%; no homozygotes.

Submissions (2):

CeGaT Center for Human Genetics Tuebingen
Classification: Uncertain significance. Last evaluated: 2025-04-01. Review status: criteria provided, single submitter. Criteria: CeGaT Center For Human Genetics Tuebingen Variant Classification Criteria Version 2. Collection method: clinical testing. Allele origin: germline. Affected: yes. Observed: 1 variant allele.
Comment: RARB: PM2:Supporting, BP4

Labcorp Genetics (formerly Invitae), Labcorp
Classification: Likely benign for Microphthalmia, syndromic 12. Last evaluated: 2019-06-17. Review status: criteria provided, single submitter. Criteria: Invitae Variant Classification Sherloc (09022015). Collection method: clinical testing. Allele origin: germline.

NM_000965.5(RARB):c.264A>T (p.Ser88=)

Gene: RARB (retinoic acid receptor beta; plus strand). Cytogenetic location: 3p24.2.
Variant type: single nucleotide variant.
Coding change: c.264A>T on transcript NM_000965.5 (MANE Select); coding-DNA position 264, A replaced by T.
Protein change: p.Ser88=; no amino-acid change (serine 88 retained).
Molecular consequence: synonymous variant. On other transcripts: 5 prime UTR variant (3), non-coding transcript variant (2).
Genome position (GRCh38, 1-based): chr3:25,461,299, A>T. VCF-style: chr3-25461299-A-T. GRCh37 (hg19) VCF-style: chr3-25502790-A-T.
Other names: c.285A>T, p.Ser95= (NM_001290216.3); c.-73A>T (NM_001290217.2, NM_001290276.2, NM_016152.4); c.117A>T, p.Ser39= (NM_001290266.2); c.264A>T, p.Ser88= (NM_001290277.1); c.135A>T, p.Ser45= (NM_001290300.2).
Identifiers: ClinVar variation 1102389 (VCV001102389.10), dbSNP rs201295268, ClinGen allele CA2287643.